The following is an entry in ClinVar:

ClinVar aggregate classification (germline): Uncertain significance (1 of 4 stars; one submission).

Conditions:
Infantile-onset ascending hereditary spastic paralysis (IAHSP). Also called: Infantile-Onset Ascending Hereditary Spastic Paralysis (IAHSP); Autosomal Recessive Juvenile Amyotrophic Lateral Sclerosis. Identifiers: Orphanet 293168, MedGen C2931441, MONDO:0011797, OMIM 607225. Disease mechanism: loss of function.

Allele frequency attached by ClinVar (database versions not stated): gnomAD exomes 0.00001 and 0.00004; ExAC 0.00002; gnomAD 0.00007 and 0.00009; TOPMed 0.00010.
gnomAD v4.1: 21 of 1,611,458 alleles (0.0013%); highest among the groups gnomAD compares: African/African-American, 0.023%; no homozygotes.

Submission:

Labcorp Genetics (formerly Invitae), Labcorp
Classification: Uncertain significance for Infantile-onset ascending hereditary spastic paralysis. Last evaluated: 2022-07-25. Review status: criteria provided, single submitter. Criteria: Invitae Variant Classification Sherloc (09022015). Collection method: clinical testing. Allele origin: germline.
Comment: This sequence change replaces lysine, which is basic and polar, with threonine, which is neutral and polar, at codon 993 of the ALS2 protein (p.Lys993Thr). This variant is present in population databases (rs199875684, gnomAD 0.04%). This variant has not been reported in the literature in individuals affected with ALS2-related conditions. ClinVar contains an entry for this variant (Variation ID: 1438381). Algorithms developed to predict the effect of missense changes on protein structure and function are either unavailable or do not agree on the potential impact of this missense change (SIFT: "Deleterious"; PolyPhen-2: "Benign"; Align-GVGD: "Class C25"). In summary, the available evidence is currently insufficient to determine the role of this variant in disease. Therefore, it has been classified as a Variant of Uncertain Significance.

NM_020919.4(ALS2):c.2978A>C (p.Lys993Thr)

Gene: ALS2 (alsin Rho guanine nucleotide exchange factor ALS2; minus strand). Cytogenetic location: 2q33.1.
Variant type: single nucleotide variant.
Coding change: c.2978A>C on transcript NM_020919.4 (MANE Select); coding-DNA position 2978, A replaced by C.
Protein change: p.Lys993Thr; replaces lysine 993 with threonine.
Molecular consequence: missense variant.
Genome position (GRCh38, 1-based): chr2:201,727,213, T>G on the plus strand (A>C on the coding strand, the complement: ALS2 is on the minus strand). VCF-style: chr2-201727213-T-G. GRCh37 (hg19) VCF-style: chr2-202591936-T-G.
Other names: short protein forms K993T.
Identifiers: ClinVar variation 1438381 (VCV001438381.5), dbSNP rs199875684, ClinGen allele CA2058029.